The following is an entry in ClinVar:

ClinVar aggregate classification (germline): Uncertain significance (1 of 4 stars; one submission).

Allele frequency attached by ClinVar (database versions not stated): gnomAD exomes 0.00001; TOPMed 0.00002; gnomAD 0.00003.
gnomAD v4.1: 14 of 1,613,540 alleles (0.00087%); highest among the groups gnomAD compares: Non-Finnish European, 0.0012%; no homozygotes.

Submission:

Labcorp Genetics (formerly Invitae), Labcorp
Classification: Uncertain significance. Last evaluated: 2024-06-12. Review status: criteria provided, single submitter. Criteria: Invitae Variant Classification Sherloc (09022015). Collection method: clinical testing. Allele origin: germline.
Comment: This sequence change replaces glutamic acid, which is acidic and polar, with lysine, which is basic and polar, at codon 96 of the DCHS1 protein (p.Glu96Lys). This variant is not present in population databases (gnomAD no frequency). This variant has not been reported in the literature in individuals affected with DCHS1-related conditions. ClinVar contains an entry for this variant (Variation ID: 1438835). Advanced modeling of protein sequence and biophysical properties (such as structural, functional, and spatial information, amino acid conservation, physicochemical variation, residue mobility, and thermodynamic stability) performed at Invitae indicates that this missense variant is not expected to disrupt DCHS1 protein function with a negative predictive value of 80%. In summary, the available evidence is currently insufficient to determine the role of this variant in disease. Therefore, it has been classified as a Variant of Uncertain Significance.

NM_003737.4(DCHS1):c.286G>A (p.Glu96Lys)

Gene: DCHS1 (dachsous cadherin-related 1; minus strand). Cytogenetic location: 11p15.4.
Variant type: single nucleotide variant.
Coding change: c.286G>A on transcript NM_003737.4 (MANE Select); coding-DNA position 286, G replaced by A.
Protein change: p.Glu96Lys; replaces glutamic acid 96 with lysine.
Molecular consequence: missense variant.
Genome position (GRCh38, 1-based): chr11:6,641,328, C>T on the plus strand (G>A on the coding strand, the complement: DCHS1 is on the minus strand). VCF-style: chr11-6641328-C-T. GRCh37 (hg19) VCF-style: chr11-6662559-C-T.
Other names: short protein forms E96K.
Identifiers: ClinVar variation 1438835 (VCV001438835.9), dbSNP rs1453996505, ClinGen allele CA379443502.